The following is an entry in ClinVar:

NM_015474.4(SAMHD1):c.56del (p.Pro19fs)

Gene: SAMHD1 (SAM and HD domain containing deoxynucleoside triphosphate triphosphohydrolase 1; minus strand). Cytogenetic location: 20q11.23.
Variant type: Deletion.
Coding change: c.56del on transcript NM_015474.4 (MANE Select); coding-DNA position 56, one base deleted (C; older notation c.56delC).
Protein change: p.Pro19fs; shifts the reading frame from proline 19.
Molecular consequence: frameshift variant.
Genome position (GRCh38, 1-based): chr20:36,951,588, G deleted on the plus strand (C on the coding strand, the reverse complement: SAMHD1 is on the minus strand); the first of 3 consecutive G bases (chr20:36,951,588-36,951,590); deleting any one gives the same sequence. VCF-style (leftmost placement, unchanged base first): chr20-36951587-CG-C. GRCh37 (hg19) VCF-style: chr20-35579990-CG-C.
Other names: c.56del, p.Pro19fs (NM_001363729.2, NM_001363733.2); short protein forms P19fs.
Identifiers: ClinVar variation 3009997 (VCV003009997.3), dbSNP rs2515286349, ClinGen allele CA2577389048.

ClinVar aggregate classification (germline): Pathogenic (1 of 4 stars; one submission).

Conditions:
Aicardi-Goutieres syndrome 5. Identifiers: Orphanet 51, MedGen C2749659, MONDO:0013059, OMIM 612952.

Submission:

Labcorp Genetics (formerly Invitae), Labcorp
Classification: Pathogenic for Aicardi-Goutieres syndrome 5. Last evaluated: 2023-06-27. Review status: criteria provided, single submitter. Criteria: Invitae Variant Classification Sherloc (09022015). Collection method: clinical testing. Allele origin: germline.
Comment: For these reasons, this variant has been classified as Pathogenic. This variant has not been reported in the literature in individuals affected with SAMHD1-related conditions. This variant is not present in population databases (gnomAD no frequency). This sequence change creates a premature translational stop signal (p.Pro19Argfs*47) in the SAMHD1 gene. It is expected to result in an absent or disrupted protein product. Loss-of-function variants in SAMHD1 are known to be pathogenic (PMID: 19525956, 22461318).

Literature cited by the submitters: PubMed 19525956; PubMed 22461318.